The following is an entry in ClinVar:

NM_001365951.3(KIF1B):c.3633-5T>C

Gene: KIF1B (kinesin family member 1B; plus strand). Cytogenetic location: 1p36.22.
Variant type: single nucleotide variant.
Coding change: c.3633-5T>C on transcript NM_001365951.3 (MANE Select); 5 bases into the intron before coding-DNA position 3633, T replaced by C.
Molecular consequence: intron variant.
Genome position (GRCh38, 1-based): chr1:10,343,227, T>C. VCF-style: chr1-10343227-T-C. GRCh37 (hg19) VCF-style: chr1-10403285-T-C.
Other names: c.3495-5T>C (NM_015074.3); c.3633-5T>C (NM_001365952.1).
Identifiers: ClinVar variation 1731975 (VCV001731975.4), dbSNP rs2521760199, ClinGen allele CA2574206162.

ClinVar aggregate classification (germline): Conflicting classifications of pathogenicity. Review status: criteria provided, conflicting classifications (1 of 4 stars). 2 submissions from 2 submitters: Uncertain significance (1); Likely benign (1). Last evaluated 2024-09-03.

Conditions:
Charcot-Marie-Tooth disease type 2. Also called: Charcot-Marie-Tooth type 2. Identifiers: Orphanet 64746, MedGen C0270914, MONDO:0018993.

Allele frequency attached by ClinVar (database versions not stated): gnomAD exomes 0.00001.
gnomAD v4.1: 12 of 1,614,168 alleles (0.00074%); highest among the groups gnomAD compares: Non-Finnish European, 0.001%; no homozygotes.

Submissions (2):

Labcorp Genetics (formerly Invitae), Labcorp
Classification: Likely benign for Charcot-Marie-Tooth disease type 2. Last evaluated: 2024-09-03. Review status: criteria provided, single submitter. Criteria: Invitae Variant Classification Sherloc (09022015). Collection method: clinical testing. Allele origin: germline.

Ambry Genetics
Classification: Uncertain significance. Last evaluated: 2022-08-17. Review status: criteria provided, single submitter. Criteria: Ambry Variant Classification Scheme 2023. Collection method: clinical testing. Allele origin: germline.
Comment: The c.3495-5T>C intronic variant results from a T to C substitution 5 nucleotides upstream from coding exon 31 in the KIF1B gene. This nucleotide position is well conserved in available vertebrate species. In silico splice site analysis predicts that this alteration will not have any significant effect on splicing. Since supporting evidence is limited at this time, the clinical significance of this alteration remains unclear.